The following is an entry in ClinVar:

ClinVar aggregate classification (germline): Likely benign (1 of 4 stars; one submission).

Conditions:
UNC13A-related disorder. Also called: UNC13A-related condition.

Submission:

PreventionGenetics, part of Exact Sciences
Classification: Likely benign for UNC13A-related condition. Last evaluated: 2025-02-13. Review status: criteria provided, single submitter. Criteria: ACMG Guidelines, 2015. Collection method: clinical testing. Allele origin: germline.
Comment: This variant is classified as likely benign based on ACMG/AMP sequence variant interpretation guidelines (Richards et al. 2015 PMID: 25741868, with internal and published modifications).

NM_001080421.3(UNC13A):c.1659A>C (p.Pro553=)

Gene: UNC13A (unc-13 homolog A; minus strand). Cytogenetic location: 19p13.11.
Variant type: single nucleotide variant.
Coding change: c.1659A>C on transcript NM_001080421.3 (MANE Select); coding-DNA position 1659, A replaced by C.
Protein change: p.Pro553=; no amino-acid change (proline 553 retained).
Molecular consequence: synonymous variant.
Genome position (GRCh38, 1-based): chr19:17,648,588, T>G on the plus strand (A>C on the coding strand, the complement: UNC13A is on the minus strand). VCF-style: chr19-17648588-T-G. GRCh37 (hg19) VCF-style: chr19-17759397-T-G.
Other names: c.1653A>C, p.Pro551= (NM_001387021.1, NM_001387022.1, NM_001387023.1).
Identifiers: ClinVar variation 4989412 (VCV004989412.1).